The following is an entry in ClinVar:

NM_000593.6(TAP1):c.544T>C (p.Ser182Pro)

Gene: TAP1 (transporter 1, ATP binding cassette subfamily B member; minus strand). Cytogenetic location: 6p21.32.
Variant type: single nucleotide variant.
Coding change: c.544T>C on transcript NM_000593.6 (MANE Select); coding-DNA position 544, T replaced by C.
Protein change: p.Ser182Pro; replaces serine 182 with proline.
Molecular consequence: missense variant.
Genome position (GRCh38, 1-based): chr6:32,853,093, A>G on the plus strand (T>C on the coding strand, the complement: TAP1 is on the minus strand). VCF-style: chr6-32853093-A-G. GRCh37 (hg19) VCF-style: chr6-32820870-A-G.
Other names: short protein forms S182P.
Identifiers: ClinVar variation 2060840 (VCV002060840.4), dbSNP rs2483183001, ClinGen allele CA363582017.

ClinVar aggregate classification (germline): Uncertain significance (1 of 4 stars; one submission).

Conditions:
MHC class I deficiency. Identifiers: Orphanet 34592, MedGen C6024714, MONDO:0011476.

Submission:

Labcorp Genetics (formerly Invitae), Labcorp
Classification: Uncertain significance for MHC class I deficiency 1. Last evaluated: 2022-07-11. Review status: criteria provided, single submitter. Criteria: Invitae Variant Classification Sherloc (09022015). Collection method: clinical testing. Allele origin: germline.
Comment: In summary, the available evidence is currently insufficient to determine the role of this variant in disease. Therefore, it has been classified as a Variant of Uncertain Significance. Algorithms developed to predict the effect of missense changes on protein structure and function output the following: SIFT: "Tolerated"; PolyPhen-2: "Benign"; Align-GVGD: "Class C0". The proline amino acid residue is found in multiple mammalian species, which suggests that this missense change does not adversely affect protein function. This variant has not been reported in the literature in individuals affected with TAP1-related conditions. This variant is not present in population databases (gnomAD no frequency). This sequence change replaces serine, which is neutral and polar, with proline, which is neutral and non-polar, at codon 242 of the TAP1 protein (p.Ser242Pro).